The following is an entry in ClinVar:

ClinVar aggregate classification (germline): Uncertain significance (1 of 4 stars; one submission).

Conditions:
Inborn genetic diseases. Identifiers: MedGen C0950123, MeSH D030342.

gnomAD v4.1: 1 of 1,613,992 alleles (0.000062%); highest among the groups gnomAD compares: East Asian, 0.0022%; no homozygotes.

Submission:

Ambry Genetics
Classification: Uncertain significance for Inborn genetic diseases. Last evaluated: 2025-12-11. Review status: criteria provided, single submitter. Criteria: Ambry Variant Classification Scheme 2023. Collection method: clinical testing. Allele origin: germline.
Comment: The p.T351S variant (also known as c.1052C>G), located in coding exon 5 of the LTBP3 gene, results from a C to G substitution at nucleotide position 1052. The threonine at codon 351 is replaced by serine, an amino acid with similar properties. This amino acid position is conserved. In addition, this alteration is predicted to be tolerated by in silico analysis. Based on the available evidence, the clinical significance of this variant remains unclear.

NM_001130144.3(LTBP3):c.1052C>G (p.Thr351Ser)

Gene: LTBP3 (latent transforming growth factor beta binding protein 3; minus strand). Cytogenetic location: 11q13.1.
Variant type: single nucleotide variant.
Coding change: c.1052C>G on transcript NM_001130144.3 (MANE Select); coding-DNA position 1052, C replaced by G.
Protein change: p.Thr351Ser; replaces threonine 351 with serine.
Molecular consequence: missense variant.
Genome position (GRCh38, 1-based): chr11:65,553,175, G>C on the plus strand (C>G on the coding strand, the complement: LTBP3 is on the minus strand). VCF-style: chr11-65553175-G-C. GRCh37 (hg19) VCF-style: chr11-65320646-G-C.
Other names: c.701C>G, p.Thr234Ser (NM_001164266.1); c.1052C>G, p.Thr351Ser (NM_021070.4); short protein forms T234S, T351S.
Identifiers: ClinVar variation 4624017 (VCV004624017.1).
Genomic context (GRCh38, chr11:65,553,175, plus strand): 5'-GATGGCTGGCCTGCCCCTCCAGCCCACAGAATCTCCTAGCTGGCCATACCCTGGCAGTGG[G>C]TGCTGTTAAGCCTCTTGTAGCCCTGGGGACAGTCAGCGCCCACTTCCCCACGTACAGGCC-3'
Protein context (NP_001123616.1, residues 341-361): CPQGYKRLNS[Thr351Ser]HCQDINECAM